The following is an entry in ClinVar:

ClinVar aggregate classification (germline): Uncertain significance (1 of 4 stars; one submission).

Submission:

GeneDx
Classification: Uncertain significance. Last evaluated: 2025-07-07. Review status: criteria provided, single submitter. Criteria: GeneDx Variant Classification Process June 2021. Collection method: clinical testing. Allele origin: germline. Affected: yes.
Comment: Not observed at significant frequency in large population cohorts (gnomAD); In silico analysis suggests that this missense variant does not alter protein structure/function; Has not been previously published as pathogenic or benign to our knowledge

NM_001127464.1:c.6493C>T

Gene: ZNF469 (zinc finger protein 469; plus strand).
Variant type: single nucleotide variant.
Identifiers: ClinVar variation 4685285 (VCV004685285.1).